The following is an entry in ClinVar:

ClinVar aggregate classification (germline): Uncertain significance. Review status: criteria provided, multiple submitters, no conflicts (2 of 4 stars). 3 submissions from 3 submitters: Uncertain significance (3). Last evaluated 2025-08-09.

Conditions:
Hereditary cancer-predisposing syndrome. Also called: Hereditary Cancer Syndrome; Neoplastic Syndromes, Hereditary; Tumor predisposition; Hereditary neoplastic syndrome. Identifiers: Orphanet 140162, MedGen C0027672, MeSH D009386, MONDO:0015356.
Mitochondrial complex II deficiency, nuclear type 1. Also called: SUCCINATE CoQ REDUCTASE DEFICIENCY. Identifiers: Orphanet 3208, MedGen C5700310, MONDO:0100294, OMIM 252011.
Pheochromocytoma/paraganglioma syndrome 5. Also called: Paragangliomas 5; SDHA-Related Hereditary Paraganglioma-Pheochromocytoma Syndrome. Identifiers: Orphanet 29072, MedGen C3279992, MONDO:0013602, OMIM 614165.

Submissions (3):

Ambry Genetics
Classification: Uncertain significance for Hereditary cancer-predisposing syndrome. Last evaluated: 2025-08-09. Review status: criteria provided, single submitter. Criteria: Ambry Variant Classification Scheme 2023. Collection method: clinical testing. Allele origin: germline.
Comment: The p.A88G variant (also known as c.263C>G), located in coding exon 3 of the SDHA gene, results from a C to G substitution at nucleotide position 263. The alanine at codon 88 is replaced by glycine, an amino acid with similar properties. This amino acid position is conserved. In addition, this alteration is predicted to be deleterious by in silico analysis. Based on the available evidence, the clinical significance of this variant remains unclear.

Labcorp Genetics (formerly Invitae), Labcorp
Classification: Uncertain significance for Pheochromocytoma/paraganglioma syndrome 5; Mitochondrial complex II deficiency, nuclear type 1. Last evaluated: 2021-08-24. Review status: criteria provided, single submitter. Criteria: Invitae Variant Classification Sherloc (09022015). Collection method: clinical testing. Allele origin: germline.
Comment: This sequence change replaces alanine with glycine at codon 88 of the SDHA protein (p.Ala88Gly). The alanine residue is highly conserved and there is a small physicochemical difference between alanine and glycine. This variant is not present in population databases (ExAC no frequency). This variant has not been reported in the literature in individuals affected with SDHA-related conditions. Algorithms developed to predict the effect of missense changes on protein structure and function (SIFT, PolyPhen-2, Align-GVGD) all suggest that this variant is likely to be disruptive. In summary, the available evidence is currently insufficient to determine the role of this variant in disease. Therefore, it has been classified as a Variant of Uncertain Significance.

GeneDx
Classification: Uncertain significance. Last evaluated: 2019-08-05. Review status: criteria provided, single submitter. Criteria: GeneDx Variant Classification Process June 2021. Collection method: clinical testing. Allele origin: germline. Affected: yes.
Comment: Not observed in large population cohorts (Lek et al., 2016); In silico analysis, which includes protein predictors and evolutionary conservation, supports a deleterious effect; Has not been previously published as pathogenic or benign to our knowledge

NM_004168.4(SDHA):c.263C>G (p.Ala88Gly)

Gene: SDHA (succinate dehydrogenase complex flavoprotein subunit A; plus strand). Cytogenetic location: 5p15.33.
Variant type: single nucleotide variant.
Coding change: c.263C>G on transcript NM_004168.4 (MANE Select); coding-DNA position 263, C replaced by G.
Protein change: p.Ala88Gly; replaces alanine 88 with glycine.
Molecular consequence: missense variant.
Genome position (GRCh38, 1-based): chr5:224,472, C>G. VCF-style: chr5-224472-C-G. GRCh37 (hg19) VCF-style: chr5-224587-C-G.
Other names: c.263C>G, p.Ala88Gly (NM_001294332.2, NM_001330758.2); short protein forms A88G.
Identifiers: ClinVar variation 955629 (VCV000955629.9), dbSNP rs1734891785, ClinGen allele CA359008599.